The following is an entry in ClinVar:

NM_004329.3(BMPR1A):c.732A>G (p.Arg244=)

Gene: BMPR1A (bone morphogenetic protein receptor type 1A; plus strand). Cytogenetic location: 10q23.2.
Variant type: single nucleotide variant.
Coding change: c.732A>G on transcript NM_004329.3 (MANE Select); coding-DNA position 732, A replaced by G.
Protein change: p.Arg244=; no amino-acid change (arginine 244 retained).
Molecular consequence: synonymous variant.
Genome position (GRCh38, 1-based): chr10:86,917,190, A>G. VCF-style: chr10-86917190-A-G. GRCh37 (hg19) VCF-style: chr10-88676947-A-G.
Identifiers: ClinVar variation 438906 (VCV000438906.16), dbSNP rs1554890761, ClinGen allele CA470307991.

ClinVar aggregate classification (germline): Conflicting classifications of pathogenicity. Review status: criteria provided, conflicting classifications (1 of 4 stars). 4 submissions from 4 submitters: Uncertain significance (1); Benign (1); Likely benign (2). Last evaluated 2025-07-13.

Conditions:
Juvenile polyposis syndrome (JPS). Identifiers: Orphanet 2929, MedGen C0345893, MONDO:0017380, OMIM 174900.
Hereditary cancer-predisposing syndrome. Also called: Hereditary Cancer Syndrome; Hereditary neoplastic syndrome; Tumor predisposition; Neoplastic Syndromes, Hereditary. Identifiers: Orphanet 140162, MedGen C0027672, MeSH D009386, MONDO:0015356.

Allele frequency attached by ClinVar (database versions not stated): gnomAD 0.00001.
gnomAD v4.1: 1 of 1,613,976 alleles (0.000062%); highest among the groups gnomAD compares: Non-Finnish European, 0.000085%; no homozygotes.

Submissions (4):

Labcorp Genetics (formerly Invitae), Labcorp
Classification: Likely benign for Juvenile polyposis syndrome. Last evaluated: 2025-07-13. Review status: criteria provided, single submitter. Criteria: Invitae Variant Classification Sherloc (09022015). Collection method: clinical testing. Allele origin: germline.

Myriad Genetics, Inc.
Classification: Benign for Juvenile polyposis syndrome. Last evaluated: 2024-08-05. Review status: criteria provided, single submitter. Criteria: Myriad Autosomal Dominant, Autosomal Recessive and X-Linked Classification Criteria (2023). Collection method: clinical testing. Allele origin: unknown.
Comment: This variant is considered benign. This variant is a silent/synonymous amino acid change and it is not expected to impact splicing.

Ambry Genetics
Classification: Likely benign for Hereditary cancer-predisposing syndrome. Last evaluated: 2019-05-31. Review status: criteria provided, single submitter. Criteria: Ambry Variant Classification Scheme 2023. Collection method: clinical testing. Allele origin: germline.

Quest Diagnostics Nichols Institute San Juan Capistrano
Classification: Uncertain significance. Last evaluated: 2017-02-13. Review status: criteria provided, single submitter. Criteria: Quest Diagnostics criteria. Collection method: clinical testing. Allele origin: germline.